The following is an entry in ClinVar:

ClinVar aggregate classification (germline): Uncertain significance (1 of 4 stars; one submission).

Conditions:
Multicentric carpo-tarsal osteolysis with or without nephropathy. Also called: MULTICENTRIC CARPOTARSAL OSTEOLYSIS SYNDROME; MULTICENTRIC OSTEOLYSIS, AUTOSOMAL DOMINANT; Carnevale Canun Mendoza syndrome; Multicentric Osteolysis of Carpal Bones and Nephropathy; OSTEOLYSIS, HEREDITARY, OF CARPAL BONES WITH OR WITHOUT NEPHROPATHY; Multicentric Carpotarsal Osteolysis with or without Nephropathy. Identifiers: Orphanet 2774, MedGen C2674705, MONDO:0008152, OMIM 166300.

Submission:

MVZ Medizinische Genetik Mainz
Classification: Uncertain significance for Multicentric carpo-tarsal osteolysis with or without nephropathy. Last evaluated: 2025-08-29. Review status: criteria provided, single submitter. Criteria: UK Practice Guidelines For Variant Classification V4 01 2020. Collection method: clinical testing. Allele origin: germline. Inheritance: Autosomal dominant inheritance. Affected: yes. Observed: 1 variant allele.
Comment: ACMG Criteria: PP3_MOD,PM2_SUP

NM_005461.5(MAFB):c.626A>G (p.Asp209Gly)

Gene: MAFB (MAF bZIP transcription factor B; minus strand). Cytogenetic location: 20q12.
Variant type: single nucleotide variant.
Coding change: c.626A>G on transcript NM_005461.5 (MANE Select); coding-DNA position 626, A replaced by G.
Protein change: p.Asp209Gly; replaces aspartic acid 209 with glycine.
Molecular consequence: missense variant.
Genome position (GRCh38, 1-based): chr20:40,688,225, T>C on the plus strand (A>G on the coding strand, the complement: MAFB is on the minus strand). VCF-style: chr20-40688225-T-C. GRCh37 (hg19) VCF-style: chr20-39316865-T-C.
Other names: short protein forms D209G.
Identifiers: ClinVar variation 4277254 (VCV004277254.1).